The following is an entry in ClinVar:

ClinVar aggregate classification (germline): Benign. Review status: criteria provided, multiple submitters, no conflicts (2 of 4 stars). 2 submissions from 2 submitters: Benign (2). Last evaluated 2018-06-19.

Allele frequency attached by ClinVar (database versions not stated): 1000 Genomes Project 0.24221; 1000 Genomes Project 30x 0.25297; gnomAD 0.31040 and 0.32432; TOPMed 0.32982.
gnomAD v4.1: 166,664 of 693,108 alleles (24%); highest among the groups gnomAD compares: African/African-American, 52%; 24,919 homozygotes.

Submissions (2):

GeneDx
Classification: Benign. Last evaluated: 2018-06-19. Review status: criteria provided, single submitter. Criteria: GeneDx Variant Classification (06012015). Collection method: clinical testing. Allele origin: germline. Affected: yes.
Comment: This variant is considered likely benign or benign based on one or more of the following criteria: it is a conservative change, it occurs at a poorly conserved position in the protein, it is predicted to be benign by multiple in silico algorithms, and/or has population frequency not consistent with disease.

Breakthrough Genomics
Classification: Benign. Review status: criteria provided, single submitter. Criteria: ACMG Guidelines, 2015. Collection method: not provided. Allele origin: germline. Inheritance: Autosomal recessive inheritance. Affected: yes.

NM_006096.4(NDRG1):c.-18-150A>G

Gene: NDRG1 (N-myc downstream regulated 1; minus strand). Cytogenetic location: 8q24.22.
Variant type: single nucleotide variant.
Coding change: c.-18-150A>G on transcript NM_006096.4 (MANE Select); 150 bases into the intron before 18 bases upstream of the start codon, A replaced by G.
Molecular consequence: intron variant.
Genome position (GRCh38, 1-based): chr8:133,284,479, T>C on the plus strand (A>G on the coding strand, the complement: NDRG1 is on the minus strand). VCF-style: chr8-133284479-T-C. GRCh37 (hg19) VCF-style: chr8-134296722-T-C.
Other names: c.-100+12655A>G (NM_001258432.2); c.-135-4212A>G (NM_001374847.1); c.-155-150A>G (NM_001258433.2); c.-18-150A>G (NM_001374844.1, NM_001135242.2, NM_001374845.1 and 1 more transcripts).
Identifiers: ClinVar variation 667651 (VCV000667651.2), dbSNP rs7816664, ClinGen allele CA12799061.